The following is an entry in ClinVar:

ClinVar aggregate classification (germline): Uncertain significance. Review status: criteria provided, multiple submitters, no conflicts (2 of 4 stars). 2 submissions from 2 submitters: Uncertain significance (2). Last evaluated 2024-08-29.

Conditions:
Choanal atresia-athelia-hypothyroidism-delayed puberty-short stature syndrome (BCAHH). Also called: BRANCHIAL ARCH ABNORMALITIES, CHOANAL ATRESIA, ATHELIA, HEARING LOSS, AND HYPOTHYROIDISM SYNDROME. Identifiers: Orphanet 589856, MedGen C5680310, MONDO:0035651, OMIM 620186.
Kabuki syndrome 1 (KABUK1). Also called: KMT2D-Related Kabuki Syndrome. Identifiers: Orphanet 2322, MedGen CN030661, MONDO:0007843, OMIM 147920.
Kabuki syndrome. Also called: NIIKAWA-KUROKI SYNDROME; Kabuki make-up syndrome. Identifiers: Orphanet 2322, MedGen C0796004, MONDO:0016512.

Submissions (2):

Labcorp Genetics (formerly Invitae), Labcorp
Classification: Uncertain significance for Kabuki syndrome. Last evaluated: 2024-08-29. Review status: criteria provided, single submitter. Criteria: Invitae Variant Classification Sherloc (09022015). Collection method: clinical testing. Allele origin: germline.
Comment: This sequence change replaces proline, which is neutral and non-polar, with leucine, which is neutral and non-polar, at codon 2908 of the KMT2D protein (p.Pro2908Leu). This variant is not present in population databases (gnomAD no frequency). This variant has not been reported in the literature in individuals affected with KMT2D-related conditions. Invitae Evidence Modeling of protein sequence and biophysical properties (such as structural, functional, and spatial information, amino acid conservation, physicochemical variation, residue mobility, and thermodynamic stability) indicates that this missense variant is not expected to disrupt KMT2D protein function with a negative predictive value of 95%. In summary, the available evidence is currently insufficient to determine the role of this variant in disease. Therefore, it has been classified as a Variant of Uncertain Significance.

Fulgent Genetics
Classification: Uncertain significance for Kabuki syndrome 1; Choanal atresia-athelia-hypothyroidism-delayed puberty-short stature syndrome. Last evaluated: 2024-04-05. Review status: criteria provided, single submitter. Criteria: ACMG Guidelines, 2015. Collection method: clinical testing. Allele origin: germline.

NM_003482.4(KMT2D):c.8723C>T (p.Pro2908Leu)

Gene: KMT2D (lysine methyltransferase 2D; minus strand). Cytogenetic location: 12q13.12.
Variant type: single nucleotide variant.
Coding change: c.8723C>T on transcript NM_003482.4 (MANE Select); coding-DNA position 8723, C replaced by T.
Protein change: p.Pro2908Leu; replaces proline 2908 with leucine.
Molecular consequence: missense variant.
Genome position (GRCh38, 1-based): chr12:49,038,633, G>A on the plus strand (C>T on the coding strand, the complement: KMT2D is on the minus strand). VCF-style: chr12-49038633-G-A. GRCh37 (hg19) VCF-style: chr12-49432416-G-A.
Other names: short protein forms P2908L.
Identifiers: ClinVar variation 3574749 (VCV003574749.3).
Genomic context (GRCh38, chr12:49,038,633, plus strand): 5'-CCTGATACCGCCAGGCCCCGAAGCCCTTCAGGAGCCAGTCGGTGGGGGTCCTCACTTACA[G>A]GGTAAAAACGGGGTCTCTGAGGTGGGCCCTGACCAGGAAACGGAGTGCCCCCAGGTCCCA-3'
Protein context (NP_003473.3, residues 2898-2918): QGPPQRPRFY[Pro2908Leu]VSEDPHRLAP